The following is an entry in ClinVar:

NM_004380.3(CREBBP):c.4560+1G>A

Gene: CREBBP (CREB binding lysine acetyltransferase; minus strand). Cytogenetic location: 16p13.3.
Variant type: single nucleotide variant.
Coding change: c.4560+1G>A on transcript NM_004380.3 (MANE Select); the canonical splice donor site of the intron after coding-DNA position 4560, G replaced by A.
Molecular consequence: splice donor variant.
Genome position (GRCh38, 1-based): chr16:3,736,649, C>T on the plus strand (G>A on the coding strand, the complement: CREBBP is on the minus strand). VCF-style: chr16-3736649-C-T. GRCh37 (hg19) VCF-style: chr16-3786650-C-T.
Other names: NC_000016.9:g.3786650C>T; c.4446+1G>A (NM_001079846.1).
Identifiers: ClinVar variation 3602179 (VCV003602179.2).

ClinVar aggregate classification (germline): Pathogenic (1 of 4 stars; one submission).

Submissions (2):

GeneDx
Classification: Pathogenic. Last evaluated: 2024-08-01. Review status: criteria provided, single submitter. Criteria: GeneDx Variant Classification Process June 2021. Collection method: clinical testing. Allele origin: germline. Affected: yes.
Comment: Identified in a patient with Rubenstein-Taybi syndrome in published literature (PMID: 18792986); Canonical splice site variant predicted to result in a null allele in a gene for which loss of function is a known mechanism of disease; Not observed at significant frequency in large population cohorts (gnomAD); This variant is associated with the following publications: (PMID: 18792986)

Dr. Peter K. Rogan Lab, Western University
No classification provided (evidence only). Condition: Malignant tumor of urinary bladder. Review status: no classification provided. Collection method: in vitro. Allele origin: not applicable. Functional consequence: retained intron. Not counted in ClinVar's aggregate classification.